The following is an entry in ClinVar:

NM_032043.3(BRIP1):c.2052C>G (p.Cys684Trp)

Gene: BRIP1 (BRCA1 interacting DNA helicase 1; minus strand). Cytogenetic location: 17q23.2.
Variant type: single nucleotide variant.
Coding change: c.2052C>G on transcript NM_032043.3 (MANE Select); coding-DNA position 2052, C replaced by G.
Protein change: p.Cys684Trp; replaces cysteine 684 with tryptophan.
Molecular consequence: missense variant.
Genome position (GRCh38, 1-based): chr17:61,776,446, G>C on the plus strand (C>G on the coding strand, the complement: BRIP1 is on the minus strand). VCF-style: chr17-61776446-G-C. GRCh37 (hg19) VCF-style: chr17-59853807-G-C.
Other names: short protein forms C684W.
Identifiers: ClinVar variation 1785089 (VCV001785089.3), dbSNP rs2145028055, ClinGen allele CA400478162.

ClinVar aggregate classification (germline): Uncertain significance. Review status: criteria provided, multiple submitters, no conflicts (2 of 4 stars). 2 submissions from 2 submitters: Uncertain significance (2). Last evaluated 2025-05-14.

Conditions:
Fanconi anemia complementation group J. Also called: BRIP1-Related Fanconi Anemia. Identifiers: Orphanet 84, MedGen C1836860, MONDO:0012187, OMIM 609054.
Familial cancer of breast. Also called: BREAST CANCER, FAMILIAL; Hereditary breast cancer; hereditary breast carcinoma. Identifiers: Orphanet 227535, MedGen C0346153, MONDO:0016419, OMIM 114480. Disease mechanism: loss of function.
Hereditary cancer-predisposing syndrome. Also called: Tumor predisposition; Neoplastic Syndromes, Hereditary; Hereditary Cancer Syndrome; Hereditary neoplastic syndrome. Identifiers: Orphanet 140162, MedGen C0027672, MeSH D009386, MONDO:0015356.

Allele frequency attached by ClinVar (database versions not stated): gnomAD exomes below 0.00001.
gnomAD v4.1: 1 of 1,614,092 alleles (0.000062%); highest among the groups gnomAD compares: Non-Finnish European, 0.000085%; no homozygotes.

Submissions (2):

Labcorp Genetics (formerly Invitae), Labcorp
Classification: Uncertain significance for Familial cancer of breast; Fanconi anemia complementation group J. Last evaluated: 2025-05-14. Review status: criteria provided, single submitter. Criteria: Invitae Variant Classification Sherloc (09022015). Collection method: clinical testing. Allele origin: germline.
Comment: This sequence change replaces cysteine, which is neutral and slightly polar, with tryptophan, which is neutral and slightly polar, at codon 684 of the BRIP1 protein (p.Cys684Trp). This variant is not present in population databases (gnomAD no frequency). This variant has not been reported in the literature in individuals affected with BRIP1-related conditions. ClinVar contains an entry for this variant (Variation ID: 1785089). Invitae Evidence Modeling of protein sequence and biophysical properties (such as structural, functional, and spatial information, amino acid conservation, physicochemical variation, residue mobility, and thermodynamic stability) indicates that this missense variant is expected to disrupt BRIP1 protein function with a positive predictive value of 95%. In summary, the available evidence is currently insufficient to determine the role of this variant in disease. Therefore, it has been classified as a Variant of Uncertain Significance.

Ambry Genetics
Classification: Uncertain significance for Hereditary cancer-predisposing syndrome. Last evaluated: 2021-08-11. Review status: criteria provided, single submitter. Criteria: Ambry Variant Classification Scheme 2023. Collection method: clinical testing. Allele origin: germline.
Comment: The p.C684W variant (also known as c.2052C>G), located in coding exon 13 of the BRIP1 gene, results from a C to G substitution at nucleotide position 2052. The cysteine at codon 684 is replaced by tryptophan, an amino acid with highly dissimilar properties. This amino acid position is conserved. In addition, this alteration is predicted to be deleterious by in silico analysis. Since supporting evidence is limited at this time, the clinical significance of this alteration remains unclear.